The following is an entry in ClinVar:

ClinVar aggregate classification (germline): Pathogenic. Review status: criteria provided, multiple submitters, no conflicts (2 of 4 stars). 2 submissions from 2 submitters: Pathogenic (2). Last evaluated 2021-11-15.

Conditions:
Ellis-van Creveld syndrome (EVC). Also called: EVC-Related Ellis-van Creveld Syndrome; EVC2-Related Ellis-van Creveld Syndrome; MESOECTODERMAL DYSPLASIA; Chondroectodermal dysplasia. Identifiers: Orphanet 289, MedGen C0013903, MONDO:0009162, OMIM 225500.
Curry-Hall syndrome (WAD). Also called: WEYERS ACRODENTAL DYSOSTOSIS. Identifiers: Orphanet 952, MedGen C0457013, MONDO:0008673, OMIM 193530.

Submissions (2):

Labcorp Genetics (formerly Invitae), Labcorp
Classification: Pathogenic for Curry-Hall syndrome; Ellis-van Creveld syndrome. Last evaluated: 2021-11-15. Review status: criteria provided, single submitter. Criteria: Invitae Variant Classification Sherloc (09022015). Collection method: clinical testing. Allele origin: germline.
Comment: For these reasons, this variant has been classified as Pathogenic. ClinVar contains an entry for this variant (Variation ID: 290667). This variant has not been reported in the literature in individuals affected with EVC2-related conditions. This variant is not present in population databases (gnomAD no frequency). This sequence change creates a premature translational stop signal (p.Thr284Glnfs*6) in the EVC2 gene. It is expected to result in an absent or disrupted protein product. Loss-of-function variants in EVC2 are known to be pathogenic (PMID: 17024374, 19810119, 19876929).

Eurofins Ntd Llc (ga)
Classification: Pathogenic. Last evaluated: 2016-09-16. Review status: criteria provided, single submitter. Criteria: EGL Classification Definitions 2015. Collection method: clinical testing. Allele origin: germline. Observed: 1 variant allele, 1 heterozygote.

Literature cited by the submitters: PubMed 17024374 (cited by Labcorp Genetics (formerly Invitae), Labcorp); PubMed 19810119 (cited by Labcorp Genetics (formerly Invitae), Labcorp); PubMed 19876929 (cited by Labcorp Genetics (formerly Invitae), Labcorp).

NM_147127.5(EVC2):c.850del (p.Thr284fs)

Gene: EVC2 (EvC ciliary complex subunit 2; minus strand). Cytogenetic location: 4p16.2.
Variant type: Deletion.
Coding change: c.850del on transcript NM_147127.5 (MANE Select); coding-DNA position 850, one base deleted (A; older notation c.850delA).
Protein change: p.Thr284fs; shifts the reading frame from threonine 284.
Molecular consequence: frameshift variant.
Genome position (GRCh38, 1-based): chr4:5,681,280, T deleted on the plus strand (A on the coding strand, the reverse complement: EVC2 is on the minus strand); the first of 2 consecutive T bases (chr4:5,681,280-5,681,281); deleting either gives the same sequence. VCF-style (leftmost placement, unchanged base first): chr4-5681279-GT-G. GRCh37 (hg19) VCF-style: chr4-5683006-GT-G.
Other names: c.610del, p.Thr204fs (NM_001166136.2); short protein forms T204fs, T284fs.
Identifiers: ClinVar variation 290667 (VCV000290667.11), dbSNP rs886044525, ClinGen allele CA10606867.
Genomic context (GRCh38, chr4:5,681,279, plus strand): 5'-GGTGTGTCCTGAGGGTGCTCAGGGCATGTCATGTCTCTTACCGTTACGTTTTCTTCTGCT[GT>G]TATGGAAAAAAGCACTTTCAGCTGTGTTCTGTTCTAGAAAAGGAAAAAAGAAAACACTTT-3'